The following is an entry in ClinVar:

NM_016507.4(CDK12):c.1714G>A (p.Ala572Thr)

Gene: CDK12 (cyclin dependent kinase 12; plus strand). Cytogenetic location: 17q12.
Variant type: single nucleotide variant.
Coding change: c.1714G>A on transcript NM_016507.4 (MANE Select); coding-DNA position 1714, G replaced by A.
Protein change: p.Ala572Thr; replaces alanine 572 with threonine.
Molecular consequence: missense variant.
Genome position (GRCh38, 1-based): chr17:39,471,546, G>A. VCF-style: chr17-39471546-G-A. GRCh37 (hg19) VCF-style: chr17-37627799-G-A.
Other names: c.1714G>A, p.Ala572Thr (NM_015083.4); short protein forms A572T.
Identifiers: ClinVar variation 4224229 (VCV004224229.1).
Genomic context (GRCh38, chr17:39,471,546, plus strand): 5'-CCACCTTTGCCTCCAATACCAGCTCTTCCACAGCAACCACCTCTGCCTCCTTCTCAGCCA[G>A]CATTTAGTCAGGTTCCTGCTTCCAGTACTTCAACTTTGCCCCCTTCTACTCACTCAAAGA-3'
Protein context (NP_057591.2, residues 562-582): QQPPLPPSQP[Ala572Thr]FSQVPASSTS

ClinVar aggregate classification (germline): Uncertain significance (1 of 4 stars; one submission).

gnomAD v4.1: 1 of 1,612,864 alleles (0.000062%); highest among the groups gnomAD compares: East Asian, 0.0022%; no homozygotes.

Submission:

Ambry Genetics
Classification: Uncertain significance. Last evaluated: 2025-06-25. Review status: criteria provided, single submitter. Criteria: Ambry Variant Classification Scheme 2023. Collection method: clinical testing. Allele origin: germline.
Comment: The p.A572T variant (also known as c.1714G>A), located in coding exon 2 of the CDK12 gene, results from a G to A substitution at nucleotide position 1714. The alanine at codon 572 is replaced by threonine, an amino acid with similar properties. This amino acid position is conserved. In addition, this alteration is predicted to be tolerated by in silico analysis. Based on the available evidence, the clinical significance of this variant remains unclear.